The following is an entry in ClinVar:

NM_182961.4(SYNE1):c.14609C>T (p.Ser4870Phe)

Gene: SYNE1 (spectrin repeat containing nuclear envelope protein 1; minus strand). Cytogenetic location: 6q25.2.
Variant type: single nucleotide variant.
Coding change: c.14609C>T on transcript NM_182961.4 (MANE Select); coding-DNA position 14609, C replaced by T.
Protein change: p.Ser4870Phe; replaces serine 4870 with phenylalanine.
Molecular consequence: missense variant.
Genome position (GRCh38, 1-based): chr6:152,330,076, G>A on the plus strand (C>T on the coding strand, the complement: SYNE1 is on the minus strand). VCF-style: chr6-152330076-G-A. GRCh37 (hg19) VCF-style: chr6-152651211-G-A.
Other names: c.14396C>T, p.Ser4799Phe (NM_033071.5); short protein forms S4870F, S4799F.
Identifiers: ClinVar variation 2011217 (VCV002011217.4), dbSNP rs2485111182, ClinGen allele CA366097019.

ClinVar aggregate classification (germline): Uncertain significance (1 of 4 stars; one submission).

Conditions:
Autosomal recessive ataxia, Beauce type. Also called: SYNE1 Deficiency; Spinocerebellar ataxia, autosomal recessive 8; ATAXIA, RECESSIVE, OF BEAUCE; SYNE1-Related Autosomal Recessive Cerebellar Ataxia. Identifiers: Orphanet 88644, MedGen C1853116, MONDO:0012549, OMIM 610743.
Emery-Dreifuss muscular dystrophy 4, autosomal dominant (EDMD4). Also called: EMERY-DREIFUSS MUSCULAR DYSTROPHY 4 WITH VARIABLE FEATURES. Identifiers: Orphanet 261, MedGen C2751807, MONDO:0013071, OMIM 612998.

Submission:

Labcorp Genetics (formerly Invitae), Labcorp
Classification: Uncertain significance for Emery-Dreifuss muscular dystrophy 4, autosomal dominant; Autosomal recessive ataxia, Beauce type. Last evaluated: 2022-07-12. Review status: criteria provided, single submitter. Criteria: Invitae Variant Classification Sherloc (09022015). Collection method: clinical testing. Allele origin: germline.
Comment: This variant is not present in population databases (gnomAD no frequency). This variant has not been reported in the literature in individuals affected with SYNE1-related conditions. Algorithms developed to predict the effect of missense changes on protein structure and function are either unavailable or do not agree on the potential impact of this missense change (SIFT: "Deleterious"; PolyPhen-2: "Possibly Damaging"; Align-GVGD: "Class C15"). In summary, the available evidence is currently insufficient to determine the role of this variant in disease. Therefore, it has been classified as a Variant of Uncertain Significance. This sequence change replaces serine, which is neutral and polar, with phenylalanine, which is neutral and non-polar, at codon 4799 of the SYNE1 protein (p.Ser4799Phe).